The following is an entry in ClinVar:

NM_024915.4(GRHL2):c.1318C>T (p.Gln440Ter)

Gene: GRHL2 (grainyhead like transcription factor 2; plus strand). Cytogenetic location: 8q22.3.
Variant type: single nucleotide variant.
Coding change: c.1318C>T on transcript NM_024915.4 (MANE Select); coding-DNA position 1318, C replaced by T.
Protein change: p.Gln440Ter; replaces glutamine 440 with a stop codon.
Molecular consequence: nonsense.
Genome position (GRCh38, 1-based): chr8:101,631,697, C>T. VCF-style: chr8-101631697-C-T. GRCh37 (hg19) VCF-style: chr8-102643925-C-T.
Other names: c.1270C>T, p.Gln424Ter (NM_001330593.2); short protein forms Q424*, Q440*.
Identifiers: ClinVar variation 3601162 (VCV003601162.1).

ClinVar aggregate classification (germline): Likely pathogenic (1 of 4 stars; one submission).

Conditions:
Autosomal dominant nonsyndromic hearing loss 28. Identifiers: Orphanet 90635, MedGen C1837640, MONDO:0012083, OMIM 608641.

gnomAD v4.1: 1 of 1,613,650 alleles (0.000062%); highest among the groups gnomAD compares: Non-Finnish European, 0.000085%; no homozygotes.

Submission:

Institute of Rare Diseases, West China Hospital, Sichuan University
Classification: Likely pathogenic for Autosomal dominant nonsyndromic hearing loss 28. Last evaluated: 2025-01-09. Review status: criteria provided, single submitter. Criteria: ClinGen HL ACMG Specifications v1. Collection method: research. Allele origin: germline. Affected: yes.
Comment: PVS1;PM2_Supporting